The following is an entry in ClinVar:

NM_006766.5(KAT6A):c.3982A>G (p.Lys1328Glu)

Gene: KAT6A (lysine acetyltransferase 6A; minus strand). Cytogenetic location: 8p11.21.
Variant type: single nucleotide variant.
Coding change: c.3982A>G on transcript NM_006766.5 (MANE Select); coding-DNA position 3982, A replaced by G.
Protein change: p.Lys1328Glu; replaces lysine 1328 with glutamic acid.
Molecular consequence: missense variant.
Genome position (GRCh38, 1-based): chr8:41,934,238, T>C on the plus strand (A>G on the coding strand, the complement: KAT6A is on the minus strand). VCF-style: chr8-41934238-T-C. GRCh37 (hg19) VCF-style: chr8-41791756-T-C.
Other names: c.3982A>G (NM_006766.3); short protein forms K1328E.
Identifiers: ClinVar variation 376989 (VCV000376989.12), dbSNP rs199709098, ClinGen allele CA12788651.

ClinVar aggregate classification (germline): Conflicting classifications of pathogenicity. Review status: criteria provided, conflicting classifications (1 of 4 stars). 4 submissions from 4 submitters: Uncertain significance (1); Likely benign (3). Last evaluated 2026-01-28.

Conditions:
Inborn genetic diseases. Identifiers: MedGen C0950123, MeSH D030342.

Allele frequency attached by ClinVar (database versions not stated): TOPMed 0.00001; gnomAD exomes 0.00002 and 0.00003; gnomAD 0.00003.

Submissions (4):

Labcorp Genetics (formerly Invitae), Labcorp
Classification: Likely benign. Last evaluated: 2026-01-28. Review status: criteria provided, single submitter. Criteria: Invitae Variant Classification Sherloc (09022015). Collection method: clinical testing. Allele origin: germline.

CeGaT Center for Human Genetics Tuebingen
Classification: Likely benign. Last evaluated: 2026-01-01. Review status: criteria provided, single submitter. Criteria: CeGaT Center For Human Genetics Tuebingen Variant Classification Criteria Version 2. Collection method: clinical testing. Allele origin: germline. Affected: yes. Observed: 1 variant allele.
Comment: KAT6A: BP4

Ambry Genetics
Classification: Likely benign for Inborn genetic diseases. Last evaluated: 2022-04-27. Review status: criteria provided, single submitter. Criteria: Ambry Variant Classification Scheme 2023. Collection method: clinical testing. Allele origin: germline.

Center for Pediatric Genomic Medicine, Children's Mercy Hospital and Clinics
Classification: Uncertain significance. Last evaluated: 2016-10-12. Review status: criteria provided, single submitter. Criteria: ACMG Guidelines, 2015. Collection method: clinical testing. Allele origin: germline.
ClinVar note: Converted during submission from Uncertain Significance to Uncertain significance.